The following is an entry in ClinVar:

NM_001375567.1(FOCAD):c.3135G>T (p.Thr1045=)

Gene: FOCAD (focadhesin; plus strand). Cytogenetic location: 9p21.3.
Variant type: single nucleotide variant.
Coding change: c.3135G>T on transcript NM_001375567.1 (MANE Select); coding-DNA position 3135, G replaced by T.
Protein change: p.Thr1045=; no amino-acid change (threonine 1045 retained).
Molecular consequence: synonymous variant.
Genome position (GRCh38, 1-based): chr9:20,929,414, G>T. VCF-style: chr9-20929414-G-T. GRCh37 (hg19) VCF-style: chr9-20929413-G-T.
Other names: c.3030G>T, p.Thr1010= (NM_001375568.1, NM_001375570.1); c.3135G>T, p.Thr1045= (NM_017794.5).
Identifiers: ClinVar variation 3061546 (VCV003061546.2), dbSNP rs775718721, ClinGen allele CA464056266.

ClinVar aggregate classification (germline): Likely benign (0 of 4 stars; one submission).

Conditions:
FOCAD-related disorder. Also called: FOCAD-related condition.

Allele frequency attached by ClinVar (database versions not stated): gnomAD 0.00001; TOPMed 0.00001.
gnomAD v4.1: 4 of 1,613,874 alleles (0.00025%); highest among the groups gnomAD compares: Non-Finnish European, 0.00034%; no homozygotes.

Submission:

PreventionGenetics, part of Exact Sciences
Classification: Likely benign for FOCAD-related condition. Last evaluated: 2023-10-04. Review status: no assertion criteria provided. Collection method: clinical testing. Allele origin: germline.
Comment: This variant is classified as likely benign based on ACMG/AMP sequence variant interpretation guidelines (Richards et al. 2015 PMID: 25741868, with internal and published modifications).